The following is an entry in ClinVar:

NM_001458.5(FLNC):c.2930-1G>A

Gene: FLNC (filamin C; plus strand). Cytogenetic location: 7q32.1.
Variant type: single nucleotide variant.
Coding change: c.2930-1G>A on transcript NM_001458.5 (MANE Select); the canonical splice acceptor site of the intron before coding-DNA position 2930, G replaced by A.
Molecular consequence: splice acceptor variant.
Genome position (GRCh38, 1-based): chr7:128,844,003, G>A. VCF-style: chr7-128844003-G-A. GRCh37 (hg19) VCF-style: chr7-128484057-G-A.
Other names: c.2930-1G>A (NM_001127487.2).
Identifiers: ClinVar variation 1797807 (VCV001797807.7), dbSNP rs2536635253, ClinGen allele CA369193598.

ClinVar aggregate classification (germline): Pathogenic/Likely pathogenic. Review status: criteria provided, multiple submitters, no conflicts (2 of 4 stars). 2 submissions from 2 submitters: Pathogenic (1); Likely pathogenic (1). Last evaluated 2023-08-10.

Conditions:
Cardiovascular phenotype. Identifiers: MedGen CN230736.
Hypertrophic cardiomyopathy 26. Also called: Cardiomyopathy, familial hypertrophic, 26. Identifiers: Orphanet 75249, MedGen C4310749, MONDO:0014883, OMIM 617047.
Myofibrillar myopathy 5. Also called: Filaminopathy (type); FILAMINOPATHY, AUTOSOMAL DOMINANT. Identifiers: Orphanet 171445, MedGen C1836050, MONDO:0012289, OMIM 609524.
Distal myopathy with posterior leg and anterior hand involvement. Also called: WILLIAMS DISTAL MYOPATHY. Identifiers: Orphanet 63273, MedGen C3279722, MONDO:0013550, OMIM 614065.

Submissions (2):

Labcorp Genetics (formerly Invitae), Labcorp
Classification: Pathogenic for Distal myopathy with posterior leg and anterior hand involvement; Myofibrillar myopathy 5; Hypertrophic cardiomyopathy 26. Last evaluated: 2023-08-10. Review status: criteria provided, single submitter. Criteria: Invitae Variant Classification Sherloc (09022015). Collection method: clinical testing. Allele origin: germline.
Comment: For these reasons, this variant has been classified as Pathogenic. Algorithms developed to predict the effect of sequence changes on RNA splicing suggest that this variant may disrupt the consensus splice site. ClinVar contains an entry for this variant (Variation ID: 1797807). Disruption of this splice site has been observed in individuals with dilated cardiomyopathy (PMID: 30067491; Invitae). This variant is not present in population databases (gnomAD no frequency). This sequence change affects an acceptor splice site in intron 19 of the FLNC gene. It is expected to disrupt RNA splicing. Variants that disrupt the donor or acceptor splice site typically lead to a loss of protein function (PMID: 16199547), and loss-of-function variants in FLNC are known to be pathogenic (PMID: 27908349).

Ambry Genetics
Classification: Likely pathogenic for Cardiovascular phenotype. Last evaluated: 2022-09-16. Review status: criteria provided, single submitter. Criteria: Ambry Variant Classification Scheme 2023. Collection method: clinical testing. Allele origin: germline.
Comment: The c.2930-1G>A intronic variant results from a G to A substitution one nucleotide upstream from coding exon 20 of the FLNC gene. This variant is considered to be rare based on population cohorts in the Genome Aggregation Database (gnomAD). This nucleotide position is highly conserved in available vertebrate species. In silico splice site analysis predicts that this alteration will weaken the native splice acceptor site and will result in the creation or strengthening of a novel splice acceptor site. In addition, alterations that disrupt the canonical splice site are expected to cause aberrant splicing, resulting in an abnormal protein or a transcript that is subject to nonsense-mediated mRNA decay. As such, this alteration is classified as likely pathogenic.

Literature cited by the submitters: PubMed 30067491 (cited by Labcorp Genetics (formerly Invitae), Labcorp); PubMed 16199547 (cited by Labcorp Genetics (formerly Invitae), Labcorp); PubMed 27908349 (cited by Labcorp Genetics (formerly Invitae), Labcorp).